The following is an entry in ClinVar:

ClinVar aggregate classification (germline): Benign (1 of 4 stars; one submission).

Allele frequency attached by ClinVar (database versions not stated): 1000 Genomes Project 0.01597; TOPMed 0.01987; gnomAD exomes 0.00234; 1000 Genomes Project 30x 0.01515; gnomAD 0.01657.

Submission:

GeneDx
Classification: Benign. Last evaluated: 2018-06-19. Review status: criteria provided, single submitter. Criteria: GeneDx Variant Classification (06012015). Collection method: clinical testing. Allele origin: germline. Affected: yes.
Comment: This variant is considered likely benign or benign based on one or more of the following criteria: it is a conservative change, it occurs at a poorly conserved position in the protein, it is predicted to be benign by multiple in silico algorithms, and/or has population frequency not consistent with disease.

NM_030662.3(MAP2K2):c.-285G>T

Genes: MAP2K2 (mitogen-activated protein kinase kinase 2; minus strand), LOC130063194 (ATAC-STARR-seq lymphoblastoid silent region 9882; plus strand). Cytogenetic location: 19p13.3.
Variant type: single nucleotide variant.
Coding change: c.-285G>T on transcript NM_030662.3; 285 bases upstream of the start codon, G replaced by T.
Genome position (GRCh38, 1-based): chr19:4,124,160, C>A on the plus strand (G>T on the coding strand, the complement: MAP2K2 is on the minus strand). VCF-style: chr19-4124160-C-A. GRCh37 (hg19) VCF-style: chr19-4124157-C-A.
Identifiers: ClinVar variation 561377 (VCV000561377.3), dbSNP rs150016208, ClinGen allele CA304449464.
Genomic context (GRCh38, chr19:4,124,160, plus strand): 5'-ACGCCGCAGCCCGAGTCCGAGAGGCAGGGGGAGGGGAGGGGCGGCCACAAGATCGCGGAC[C>A]GGCTTCTCGCGATAACGGGATCGGGAGCCGCGATGGACCCCACCCCCAGCCGCCGCGCCT-3'